The following is an entry in ClinVar:

ClinVar aggregate classification (germline): Pathogenic (1 of 4 stars; one submission).

Conditions:
Developmental and epileptic encephalopathy, 9 (DEE9). Also called: Early infantile epileptic encephalopathy 9; JUBERG-HELLMAN SYNDROME; PCDH19-Related X-Linked Female-Limited Epilepsy with Mental Retardation; EPILEPSY, FEMALE-RESTRICTED, WITH MENTAL RETARDATION. Identifiers: Orphanet 101039, Orphanet 2076, MedGen C1848137, MONDO:0010246, OMIM 300088. Disease mechanism: loss of function.

Submission:

Institute of Human Genetics, University of Leipzig Medical Center
Classification: Pathogenic for Developmental and epileptic encephalopathy, 9. Last evaluated: 2024-07-23. Review status: criteria provided, single submitter. Criteria: ACMG Guidelines, 2015. Collection method: clinical testing. Allele origin: de novo. Inheritance: X-linked dominant inheritance. Affected: yes.
Comment: Criteria applied: PVS1,PS2_MOD,PM2

NM_001184880.2(PCDH19):c.2620G>T (p.Glu874Ter)

Gene: PCDH19 (protocadherin 19; minus strand). Cytogenetic location: Xq22.1.
Variant type: single nucleotide variant.
Coding change: c.2620G>T on transcript NM_001184880.2 (MANE Select); coding-DNA position 2620, G replaced by T.
Protein change: p.Glu874Ter; replaces glutamic acid 874 with a stop codon.
Molecular consequence: nonsense.
Genome position (GRCh38, 1-based): chrX:100,350,701, C>A on the plus strand (G>T on the coding strand, the complement: PCDH19 is on the minus strand). VCF-style: chrX-100350701-C-A. GRCh37 (hg19) VCF-style: chrX-99605699-C-A.
Other names: c.2479G>T, p.Glu827Ter (NM_001105243.2, NM_020766.3); short protein forms E827*, E874*.
Identifiers: ClinVar variation 3359025 (VCV003359025.2).